The following is an entry in ClinVar:

NM_001291415.2(KDM6A):c.4105A>T (p.Ile1369Phe)

Gene: KDM6A (lysine demethylase 6A; plus strand). Cytogenetic location: Xp11.3.
Variant type: single nucleotide variant.
Coding change: c.4105A>T on transcript NM_001291415.2 (MANE Select); coding-DNA position 4105, A replaced by T.
Protein change: p.Ile1369Phe; replaces isoleucine 1369 with phenylalanine.
Molecular consequence: missense variant. On other transcripts: non-coding transcript variant (1).
Genome position (GRCh38, 1-based): chrX:45,107,480, A>T. VCF-style: chrX-45107480-A-T. GRCh37 (hg19) VCF-style: chrX-44966725-A-T.
Other names: c.3970A>T, p.Ile1324Phe (NM_001291416.2); c.3814A>T, p.Ile1272Phe (NM_001291417.2); c.3712A>T, p.Ile1238Phe (NM_001291418.2); c.3061A>T, p.Ile1021Phe (NM_001291421.2); c.3949A>T, p.Ile1317Phe (NM_021140.4); short protein forms I1369F, I1238F, I1324F, I1021F, I1272F, I1317F.
Identifiers: ClinVar variation 134600 (VCV000134600.1), dbSNP rs587778422, ClinGen allele CA160303.
Genomic context (GRCh38, chrX:45,107,480, plus strand): 5'-CTAAGAACTCTGAAGCAATGTCAGACATTGAGGGAAGCTCTCATTGCTGCAGGAAAAGAG[A>T]TTATATGGCATGGGCGGACAAAAGAAGAACCAGCTCATTACTGTAGCATTTGTGAAGTAA-3'
Protein context (NP_001278344.1, residues 1359-1379): REALIAAGKE[Ile1369Phe]IWHGRTKEEP

ClinVar aggregate classification (germline): not provided (0 of 4 stars; one submission).

Submission:

ITMI
No classification provided. Condition: AllHighlyPenetrant. Last evaluated: 2013-09-19. Review status: no classification provided. Collection method: reference population. Allele origin: germline.
Comment: Please see associated publication for description of ethnicities

Literature cited by the submitters: PubMed 24728327.